The following is an entry in ClinVar:

ClinVar aggregate classification (germline): Uncertain significance (1 of 4 stars; one submission).

Conditions:
Intellectual developmental disorder with autism and macrocephaly. Also called: CHD8-Related Neurodevelopmental Disorder with Overgrowth; Autism, susceptibility to, 18. Identifiers: Orphanet 642675, MedGen C3554373, MONDO:0014017, OMIM 615032.

Submission:

New York Genome Center
Classification: Uncertain significance for Intellectual developmental disorder with autism and macrocephaly. Last evaluated: 2019-07-25. Review status: criteria provided, single submitter. Criteria: NYGC Assertion Criteria 2020. Collection method: clinical testing. Allele origin: germline. Observed: 1 heterozygote. Study: CSER-NYCKidSeq.
Comment: The heterozygous p.Ile1635Thr variant identified in CHD8 has not been reported in the gnomAD database indicating that it is an extremely rare allele in the populations represented in that database. The variant affects an evolutionary conserved reside and is predicted deleterious by in silico tools. The p.Ile1635Thr variant has not been reported in affected individuals in the literature. Based on the current evidence, the p.Ile1635Thrvariant in the CHD8 gene is assessed as a variant of uncertain clinical significance.

NM_001170629.2(CHD8):c.4904T>C (p.Ile1635Thr)

Gene: CHD8 (chromodomain helicase DNA binding protein 8; minus strand). Cytogenetic location: 14q11.2.
Variant type: single nucleotide variant.
Coding change: c.4904T>C on transcript NM_001170629.2 (MANE Select); coding-DNA position 4904, T replaced by C.
Protein change: p.Ile1635Thr; replaces isoleucine 1635 with threonine.
Molecular consequence: missense variant.
Genome position (GRCh38, 1-based): chr14:21,399,619, A>G on the plus strand (T>C on the coding strand, the complement: CHD8 is on the minus strand). VCF-style: chr14-21399619-A-G. GRCh37 (hg19) VCF-style: chr14-21867778-A-G.
Other names: c.4067T>C, p.Ile1356Thr (NM_020920.4); short protein forms I1356T, I1635T.
Identifiers: ClinVar variation 992779 (VCV000992779.2), dbSNP rs1887944313, ClinGen allele CA388888610.